The following is an entry in ClinVar:

NM_001852.4(COL9A2):c.1129G>A (p.Glu377Lys)

Gene: COL9A2 (collagen type IX alpha 2 chain; minus strand). Cytogenetic location: 1p34.2.
Variant type: single nucleotide variant.
Coding change: c.1129G>A on transcript NM_001852.4 (MANE Select); coding-DNA position 1129, G replaced by A.
Protein change: p.Glu377Lys; replaces glutamic acid 377 with lysine.
Molecular consequence: missense variant.
Genome position (GRCh38, 1-based): chr1:40,304,826, C>T on the plus strand (G>A on the coding strand, the complement: COL9A2 is on the minus strand). VCF-style: chr1-40304826-C-T. GRCh37 (hg19) VCF-style: chr1-40770498-C-T.
Other names: short protein forms E377K.
Identifiers: ClinVar variation 1980731 (VCV001980731.4), dbSNP rs568502918, ClinGen allele CA791575.

ClinVar aggregate classification (germline): Uncertain significance (1 of 4 stars; one submission).

Allele frequency attached by ClinVar (database versions not stated): gnomAD exomes below 0.00001; gnomAD 0.00002; TOPMed 0.00002; 1000 Genomes Project 30x 0.00016; 1000 Genomes Project 0.00020.
gnomAD v4.1: 6 of 1,550,778 alleles (0.00039%); highest among the groups gnomAD compares: Admixed American, 0.0059%; no homozygotes.

Submission:

Labcorp Genetics (formerly Invitae), Labcorp
Classification: Uncertain significance. Last evaluated: 2025-12-10. Review status: criteria provided, single submitter. Criteria: Invitae Variant Classification Sherloc (09022015). Collection method: clinical testing. Allele origin: germline.
Comment: This sequence change replaces glutamic acid, which is acidic and polar, with lysine, which is basic and polar, at codon 377 of the COL9A2 protein (p.Glu377Lys). The frequency data for this variant in the population databases is considered unreliable, as metrics indicate poor data quality at this position in the gnomAD database. This variant has not been reported in the literature in individuals affected with COL9A2-related conditions. ClinVar contains an entry for this variant (Variation ID: 1980731). Invitae Evidence Modeling of protein sequence and biophysical properties (such as structural, functional, and spatial information, amino acid conservation, physicochemical variation, residue mobility, and thermodynamic stability) indicates that this missense variant is not expected to disrupt COL9A2 protein function with a negative predictive value of 95%. In summary, the available evidence is currently insufficient to determine the role of this variant in disease. Therefore, it has been classified as a Variant of Uncertain Significance.